The following is an entry in ClinVar:

ClinVar aggregate classification (germline): Uncertain significance (1 of 4 stars; one submission).

Conditions:
Familial adenomatous polyposis 1 (FAP1). Also called: FAMILIAL ADENOMATOUS POLYPOSIS 1, ATTENUATED; POLYPOSIS, ADENOMATOUS INTESTINAL. Identifiers: MedGen C2713442, MONDO:0021056, OMIM 175100. Disease mechanism: loss of function.

Submission:

Labcorp Genetics (formerly Invitae), Labcorp
Classification: Uncertain significance for Familial adenomatous polyposis 1. Last evaluated: 2024-10-02. Review status: criteria provided, single submitter. Criteria: Invitae Variant Classification Sherloc (09022015). Collection method: clinical testing. Allele origin: germline.
Comment: This sequence change replaces glutamic acid, which is acidic and polar, with lysine, which is basic and polar, at codon 1295 of the APC protein (p.Glu1295Lys). This variant is not present in population databases (gnomAD no frequency). This variant has not been reported in the literature in individuals affected with APC-related conditions. Invitae Evidence Modeling of protein sequence and biophysical properties (such as structural, functional, and spatial information, amino acid conservation, physicochemical variation, residue mobility, and thermodynamic stability) indicates that this missense variant is not expected to disrupt APC protein function with a negative predictive value of 95%. In summary, the available evidence is currently insufficient to determine the role of this variant in disease. Therefore, it has been classified as a Variant of Uncertain Significance.

NM_000038.6(APC):c.3883G>A (p.Glu1295Lys)

Gene: APC (APC regulator of Wnt signaling pathway; plus strand). Cytogenetic location: 5q22.2.
Variant type: single nucleotide variant.
Coding change: c.3883G>A on transcript NM_000038.6 (MANE Select); coding-DNA position 3883, G replaced by A.
Protein change: p.Glu1295Lys; replaces glutamic acid 1295 with lysine.
Molecular consequence: missense variant. On other transcripts: non-coding transcript variant (2).
Genome position (GRCh38, 1-based): chr5:112,839,477, G>A. VCF-style: chr5-112839477-G-A. GRCh37 (hg19) VCF-style: chr5-112175174-G-A.
Other names: c.3883G>A, p.Glu1295Lys (NM_001127510.3, NM_001354895.2, NM_001407450.1); c.3829G>A, p.Glu1277Lys (NM_001127511.3); c.3937G>A, p.Glu1313Lys (NM_001354896.2, NM_001407447.1, NM_001407448.1 and 1 more transcripts); c.3913G>A, p.Glu1305Lys (NM_001354897.2); c.3808G>A, p.Glu1270Lys (NM_001354898.2); c.3799G>A, p.Glu1267Lys (NM_001354899.2); c.3760G>A, p.Glu1254Lys (NM_001354900.2); c.3706G>A, p.Glu1236Lys (NM_001354901.2, NM_001407453.1); and 11 more; short protein forms E1204K, E1277K, E1285K, E1295K, E1135K, E1236K, E1305K, E1012K.
Identifiers: ClinVar variation 3635454 (VCV003635454.2).